The following is an entry in ClinVar:

NM_015509.4(NECAP1):c.214G>T (p.Ala72Ser)

Gene: NECAP1 (NECAP endocytosis associated 1; plus strand). Cytogenetic location: 12p13.31.
Variant type: single nucleotide variant.
Coding change: c.214G>T on transcript NM_015509.4 (MANE Select); coding-DNA position 214, G replaced by T.
Protein change: p.Ala72Ser; replaces alanine 72 with serine.
Molecular consequence: missense variant. On other transcripts: non-coding transcript variant (1).
Genome position (GRCh38, 1-based): chr12:8,090,212, G>T. VCF-style: chr12-8090212-G-T. GRCh37 (hg19) VCF-style: chr12-8242808-G-T.
Other names: short protein forms A72S.
Identifiers: ClinVar variation 848573 (VCV000848573.10), dbSNP rs1947530992, ClinGen allele CA383797349.

ClinVar aggregate classification (germline): Uncertain significance (1 of 4 stars; one submission).

Conditions:
Developmental and epileptic encephalopathy, 21 (DEE21). Also called: Early infantile epileptic encephalopathy 21. Identifiers: Orphanet 442835, MedGen C4014430, MONDO:0014360, OMIM 615833.

Submission:

Labcorp Genetics (formerly Invitae), Labcorp
Classification: Uncertain significance for Developmental and epileptic encephalopathy, 21. Last evaluated: 2019-12-16. Review status: criteria provided, single submitter. Criteria: Invitae Variant Classification Sherloc (09022015). Collection method: clinical testing. Allele origin: germline.
Comment: In summary, the available evidence is currently insufficient to determine the role of this variant in disease. Therefore, it has been classified as a Variant of Uncertain Significance. Algorithms developed to predict the effect of missense changes on protein structure and function are either unavailable or do not agree on the potential impact of this missense change (SIFT: "Tolerated"; PolyPhen-2: "Possibly Damaging"; Align-GVGD: "Class C0"). This variant has not been reported in the literature in individuals with NECAP1-related conditions. This variant is not present in population databases (ExAC no frequency). This sequence change replaces alanine with serine at codon 72 of the NECAP1 protein (p.Ala72Ser). The alanine residue is moderately conserved and there is a moderate physicochemical difference between alanine and serine.